The following is an entry in ClinVar:

ClinVar aggregate classification (germline): Uncertain significance. Review status: criteria provided, multiple submitters, no conflicts (2 of 4 stars). 2 submissions from 2 submitters: Uncertain significance (2). Last evaluated 2022-12-01.

Conditions:
Inborn genetic diseases. Identifiers: MedGen C0950123, MeSH D030342.

Allele frequency attached by ClinVar (database versions not stated): gnomAD 0.00001; ExAC 0.00002; TOPMed 0.00002.
gnomAD v4.1: 8 of 1,613,622 alleles (0.0005%); highest among the groups gnomAD compares: Admixed American, 0.013%; no homozygotes.

Submissions (2):

Ambry Genetics
Classification: Uncertain significance for Inborn genetic diseases. Last evaluated: 2022-12-01. Review status: criteria provided, single submitter. Criteria: Ambry Variant Classification Scheme 2023. Collection method: clinical testing. Allele origin: germline.

Labcorp Genetics (formerly Invitae), Labcorp
Classification: Uncertain significance. Last evaluated: 2022-07-20. Review status: criteria provided, single submitter. Criteria: Invitae Variant Classification Sherloc (09022015). Collection method: clinical testing. Allele origin: germline.
Comment: This sequence change replaces lysine, which is basic and polar, with glutamine, which is neutral and polar, at codon 415 of the TIMM50 protein (p.Lys415Gln). This variant is present in population databases (rs749295564, gnomAD 0.02%). This variant has not been reported in the literature in individuals affected with TIMM50-related conditions. Algorithms developed to predict the effect of missense changes on protein structure and function are either unavailable or do not agree on the potential impact of this missense change (SIFT: "Not Available"; PolyPhen-2: "Benign"; Align-GVGD: "Not Available"). In summary, the available evidence is currently insufficient to determine the role of this variant in disease. Therefore, it has been classified as a Variant of Uncertain Significance.

NM_001001563.5(TIMM50):c.934A>C (p.Lys312Gln)

Gene: TIMM50 (translocase of inner mitochondrial membrane 50; plus strand). Cytogenetic location: 19q13.2.
Variant type: single nucleotide variant.
Coding change: c.934A>C on transcript NM_001001563.5 (MANE Select); coding-DNA position 934, A replaced by C.
Protein change: p.Lys312Gln; replaces lysine 312 with glutamine.
Molecular consequence: missense variant.
Genome position (GRCh38, 1-based): chr19:39,488,619, A>C. VCF-style: chr19-39488619-A-C. GRCh37 (hg19) VCF-style: chr19-39979259-A-C.
Other names: c.595A>C, p.Lys199Gln (NM_001329559.2); c.1243A>C (NM_001001563.1); short protein forms K199Q, K312Q.
Identifiers: ClinVar variation 1907839 (VCV001907839.3), dbSNP rs749295564, ClinGen allele CA9432016.